The following is an entry in ClinVar:

NM_015404.4(WHRN):c.2644C>T (p.Arg882Cys)

Gene: WHRN (whirlin; minus strand). Cytogenetic location: 9q32.
Variant type: single nucleotide variant.
Coding change: c.2644C>T on transcript NM_015404.4 (MANE Select); coding-DNA position 2644, C replaced by T.
Protein change: p.Arg882Cys; replaces arginine 882 with cysteine.
Molecular consequence: missense variant.
Genome position (GRCh38, 1-based): chr9:114,402,834, G>A on the plus strand (C>T on the coding strand, the complement: WHRN is on the minus strand). VCF-style: chr9-114402834-G-A. GRCh37 (hg19) VCF-style: chr9-117165114-G-A.
Other names: c.1495C>T, p.Arg499Cys (NM_001083885.3); c.2641C>T, p.Arg881Cys (NM_001173425.2); c.1591C>T, p.Arg531Cys (NM_001346890.1); short protein forms R882C, R499C, R881C, R531C.
Identifiers: ClinVar variation 180119 (VCV000180119.24), dbSNP rs150586098, ClinGen allele CA185852.

ClinVar aggregate classification (germline): Conflicting classifications of pathogenicity. Review status: criteria provided, conflicting classifications (1 of 4 stars). 7 submissions from 7 submitters: Uncertain significance (2); Likely benign (4). 1 of the submissions does not count toward it. Last evaluated 2026-01-17.

Conditions:
WHRN-related disorder. Also called: WHRN-related condition.
Autosomal recessive nonsyndromic hearing loss 31. Also called: WHIRLER, MOUSE, HOMOLOG OF. Identifiers: Orphanet 90636, MedGen C1846839, MONDO:0011767, OMIM 607084.

Allele frequency attached by ClinVar (database versions not stated): 1000 Genomes Project 0.00060; 1000 Genomes Project 30x 0.00094; TOPMed 0.00120.
gnomAD v4.1: 313 of 1,614,096 alleles (0.019%); highest among the groups gnomAD compares: African/African-American, 0.36%; 1 homozygote.

Submissions (7):

Labcorp Genetics (formerly Invitae), Labcorp
Classification: Likely benign. Last evaluated: 2026-01-17. Review status: criteria provided, single submitter. Criteria: Invitae Variant Classification Sherloc (09022015). Collection method: clinical testing. Allele origin: germline.

Blueprint Genetics
Classification: Likely benign. Last evaluated: 2024-09-25. Review status: criteria provided, single submitter. Criteria: ACMG Guidelines, 2015. Collection method: clinical testing. Allele origin: germline.

GeneDx
Classification: Uncertain significance. Last evaluated: 2021-05-19. Review status: criteria provided, single submitter. Criteria: GeneDx Variant Classification Process June 2021. Collection method: clinical testing. Allele origin: germline. Affected: yes.
Comment: Has not been previously published as pathogenic or benign to our knowledge

Athena Diagnostics
Classification: Likely benign. Last evaluated: 2020-07-09. Review status: criteria provided, single submitter. Criteria: Athena Diagnostics Criteria. Collection method: clinical testing. Allele origin: unknown.

Baylor Genetics
Classification: Uncertain significance for Autosomal recessive nonsyndromic hearing loss 31. Last evaluated: 2018-09-28. Review status: criteria provided, single submitter. Criteria: ACMG Guidelines, 2015. Collection method: clinical testing. Allele origin: unknown. Affected: yes.
Comment: This variant was determined to be of uncertain significance according to ACMG Guidelines, 2015 [PMID:25741868].

Laboratory for Molecular Medicine, Mass General Brigham Personalized Medicine
Classification: Likely benign. Last evaluated: 2014-11-28. Review status: criteria provided, single submitter. Criteria: LMM Criteria. Collection method: clinical testing. Allele origin: germline. Observed: 1 variant allele.
Comment: p.Arg882Cys in exon 12 of DFNB31: This variant is not expected to have clinical significance because it has been reported in 0.3% (32/10520) of African chromos omes by the Exome Aggregation Consortium (dbSNP rs150586098).

PreventionGenetics, part of Exact Sciences
Classification: Likely benign for WHRN-related condition. Last evaluated: 2023-09-14. Review status: no assertion criteria provided. Collection method: clinical testing. Allele origin: germline. Not counted in ClinVar's aggregate classification.
Comment: This variant is classified as likely benign based on ACMG/AMP sequence variant interpretation guidelines (Richards et al. 2015 PMID: 25741868, with internal and published modifications).